The following is an entry in ClinVar:

ClinVar aggregate classification (germline): Benign/Likely benign. Review status: criteria provided, multiple submitters, no conflicts (2 of 4 stars). 5 submissions from 5 submitters: Benign (2); Likely benign (3). Last evaluated 2026-01-27.

Conditions:
Xanthinuria type II. Also called: Xanthine dehydrogenase and aldehyde oxidase combined deficiency of; XDH and AOX dual deficiency. Identifiers: Orphanet 3467, Orphanet 93602, MedGen C1863688, MONDO:0011346, OMIM 603592.
Hereditary xanthinuria type 1 (XAN1). Identifiers: Orphanet 3467, Orphanet 93601, MedGen C0268118, MONDO:0010209, OMIM 278300.

Allele frequency attached by ClinVar (database versions not stated): gnomAD 0.00028 and 0.00042; gnomAD exomes 0.00034 and 0.00102; TOPMed 0.00056; ExAC 0.00109; 1000 Genomes Project 0.00160; 1000 Genomes Project 30x 0.00172.
gnomAD v4.1: 587 of 1,614,040 alleles (0.036%); highest among the groups gnomAD compares: East Asian, 0.72%; 4 homozygotes.

Submissions (5):

Labcorp Genetics (formerly Invitae), Labcorp
Classification: Benign for Xanthinuria type II. Last evaluated: 2026-01-27. Review status: criteria provided, single submitter. Criteria: Invitae Variant Classification Sherloc (09022015). Collection method: clinical testing. Allele origin: germline.

Blueprint Genetics
Classification: Likely benign. Last evaluated: 2024-11-15. Review status: criteria provided, single submitter. Criteria: ACMG Guidelines, 2015. Collection method: clinical testing. Allele origin: germline.

Genome-Nilou Lab
Classification: Benign for Hereditary xanthinuria type 1. Last evaluated: 2021-12-05. Review status: criteria provided, single submitter. Criteria: ACMG Guidelines, 2015. Collection method: clinical testing. Allele origin: germline. Affected: no.

Fulgent Genetics
Classification: Likely benign for Hereditary xanthinuria type 1. Last evaluated: 2021-08-24. Review status: criteria provided, single submitter. Criteria: ACMG Guidelines, 2015. Collection method: clinical testing. Allele origin: unknown.

Illumina Laboratory Services, Illumina
Classification: Likely benign for Hereditary xanthinuria type 1. Last evaluated: 2018-01-13. Review status: criteria provided, single submitter. Criteria: ICSL Variant Classification Criteria 13 December 2019. Collection method: clinical testing. Allele origin: germline.
Comment: This variant was observed in the ICSL laboratory as part of a predisposition screen in an ostensibly healthy population. It had not been previously curated by ICSL or reported in the Human Gene Mutation Database (HGMD: prior to June 1st, 2018), and was therefore a candidate for classification through an automated scoring system. Utilizing variant allele frequency, disease prevalence and penetrance estimates, and inheritance mode, an automated score was calculated to assess if this variant is too frequent to cause the disease. Based on the score and internal cut-off values, a variant classified as likely benign is not then subjected to further curation. The score for this variant resulted in a classification of likely benign for this disease.

NM_000379.4(XDH):c.3771G>A (p.Ser1257=)

Gene: XDH (xanthine dehydrogenase; minus strand). Cytogenetic location: 2p23.1.
Variant type: single nucleotide variant.
Coding change: c.3771G>A on transcript NM_000379.4 (MANE Select); coding-DNA position 3771, G replaced by A.
Protein change: p.Ser1257=; no amino-acid change (serine 1257 retained).
Molecular consequence: synonymous variant.
Genome position (GRCh38, 1-based): chr2:31,339,492, C>T on the plus strand (G>A on the coding strand, the complement: XDH is on the minus strand). VCF-style: chr2-31339492-C-T. GRCh37 (hg19) VCF-style: chr2-31562358-C-T.
Identifiers: ClinVar variation 898502 (VCV000898502.15), dbSNP rs45594136, ClinGen allele CA1598280.
Genomic context (GRCh38, chr2:31,339,492, plus strand): 5'-CTGGGGCCTCCCCCAGGGCAGATCAGAAGAGACAGCACAGAGCCAGAGCAATGGTACCTT[C>T]GATGCATAGATGGCCTTCTTGTTGGGGCAGTCGCGGAGCAGGGACACCCTGAACTCAATG-3'
Protein context (NP_000370.2, residues 1247-1267): DCPNKKAIYA[Ser1257=]KAVGEPPLFL